The following is an entry in ClinVar:

ClinVar aggregate classification (germline): Uncertain significance. Review status: criteria provided, multiple submitters, no conflicts (2 of 4 stars). 2 submissions from 2 submitters: Uncertain significance (2). Last evaluated 2025-10-28.

Conditions:
NRP2-related disorder. Also called: NRP2-related condition.

gnomAD v4.1: 2 of 1,614,150 alleles (0.00012%); highest among the groups gnomAD compares: Non-Finnish European, 0.00017%; no homozygotes.

Submissions (2):

PreventionGenetics, part of Exact Sciences
Classification: Uncertain significance for NRP2-related condition. Last evaluated: 2025-10-28. Review status: criteria provided, single submitter. Criteria: ACMG Guidelines, 2015. Collection method: clinical testing. Allele origin: germline.
Comment: The NRP2 c.1064G>A variant is predicted to result in the amino acid substitution p.Gly355Asp. To our knowledge, this variant has not been reported in the literature or in a large population database (gnomAD), indicating this variant is rare. At this time, the clinical significance of this variant is uncertain due to the absence of conclusive functional and genetic evidence.

Ambry Genetics
Classification: Uncertain significance. Last evaluated: 2024-11-21. Review status: criteria provided, single submitter. Criteria: Ambry Variant Classification Scheme 2023. Collection method: clinical testing. Allele origin: germline.

NM_003872.3(NRP2):c.1064G>A (p.Gly355Asp)

Gene: NRP2 (neuropilin 2; plus strand). Cytogenetic location: 2q33.3.
Variant type: single nucleotide variant.
Coding change: c.1064G>A on transcript NM_003872.3 (MANE Select); coding-DNA position 1064, G replaced by A.
Protein change: p.Gly355Asp; replaces glycine 355 with aspartic acid.
Molecular consequence: missense variant.
Genome position (GRCh38, 1-based): chr2:205,727,964, G>A. VCF-style: chr2-205727964-G-A. GRCh37 (hg19) VCF-style: chr2-206592688-G-A.
Other names: c.1064G>A, p.Gly355Asp (NM_018534.4, NM_201264.2, NM_201266.2 and 2 more transcripts); short protein forms G355D.
Identifiers: ClinVar variation 3407887 (VCV003407887.2).